The following is an entry in ClinVar:

NM_000179.3(MSH6):c.3977_3979del (p.Met1326del)

Gene: MSH6 (mutS homolog 6; plus strand). Cytogenetic location: 2p16.3.
Variant type: Deletion.
Coding change: c.3977_3979del on transcript NM_000179.3 (MANE Select); coding-DNA positions 3977 to 3979, 3 bases deleted (TGA; older notation c.3977_3979delTGA).
Protein change: p.Met1326del; deletes methionine 1326.
Molecular consequence: inframe deletion. On other transcripts: stop lost (1), non-coding transcript variant (5), intron variant (1).
Genome position (GRCh38, 1-based): chr2:47,806,627-47,806,629, TGA deleted; deleting any 3 consecutive bases within chr2:47,806,625-47,806,629 gives the same sequence; the c. name uses the placement nearest the transcript's 3' end. VCF-style (leftmost placement, unchanged base first): chr2-47806624-AGAT-A. GRCh37 (hg19) VCF-style: chr2-48033763-AGAT-A.
Other names: c.3587_3589del, p.Met1196del (NM_001281492.2); c.3071_3073del, p.Met1024del (NM_001281493.2, NM_001281494.2, NM_001406811.1 and 6 more transcripts); c.4073_4075del, p.Met1358del (NM_001406795.1); c.3977_3979del, p.Met1326del (NM_001406796.1, NM_001406808.1, NM_001406809.1); c.3680_3682del, p.Met1227del (NM_001406797.1, NM_001406801.1, NM_001406805.1 and 10 more transcripts); c.3803_3805del, p.Met1268del (NM_001406798.1); c.3452_3454del, p.Met1151del (NM_001406799.1, NM_001406806.1, NM_001406807.1); c.3964_3966del, p.Ter1322del (NM_001406800.1); and 9 more; short protein forms M1151del, M1196del, M1268del, M1328del, M641del, :1322del, M1227del, M1300del.
Identifiers: ClinVar variation 3875058 (VCV003875058.1).

ClinVar aggregate classification (germline): Uncertain significance (1 of 4 stars; one submission).

Conditions:
Hereditary cancer-predisposing syndrome. Also called: Tumor predisposition; Neoplastic Syndromes, Hereditary; Hereditary Cancer Syndrome; Hereditary neoplastic syndrome. Identifiers: Orphanet 140162, MedGen C0027672, MeSH D009386, MONDO:0015356.

Submission:

Ambry Genetics
Classification: Uncertain significance for Hereditary cancer-predisposing syndrome. Last evaluated: 2025-01-02. Review status: criteria provided, single submitter. Criteria: Ambry Variant Classification Scheme 2023. Collection method: clinical testing. Allele origin: germline.
Comment: The c.3977_3979delTGA variant (also known as p.M1326del) is located in coding exon 9 of the MSH6 gene. This variant results from an in-frame TGA deletion at nucleotide positions 3977 to 3979. This results in the in-frame deletion of a methionine at codon 1326. This amino acid position is not well conserved in available vertebrate species. In addition, the in silico prediction for this alteration is inconclusive (Choi Y et al. PLoS ONE. 2012; 7(10):e46688). Based on the available evidence, the clinical significance of this variant remains unclear.